The following is an entry in ClinVar:

NM_001267550.2(TTN):c.93431G>A (p.Arg31144Gln)

Genes: TTN (titin; minus strand), TTN-AS1 (TTN antisense RNA 1; plus strand). Cytogenetic location: 2q31.2.
Variant type: single nucleotide variant.
Coding change: c.93431G>A on transcript NM_001267550.2 (MANE Select); coding-DNA position 93431, G replaced by A.
Protein change: p.Arg31144Gln; replaces arginine 31144 with glutamine.
Molecular consequence: missense variant.
Genome position (GRCh38, 1-based): chr2:178,548,195, C>T on the plus strand (G>A on the coding strand, the complement: TTN is on the minus strand). VCF-style: chr2-178548195-C-T. GRCh37 (hg19) VCF-style: chr2-179412922-C-T.
Other names: c.88508G>A, p.Arg29503Gln (NM_001256850.1); c.66236G>A, p.Arg22079Gln (NM_003319.4); c.85727G>A, p.Arg28576Gln (NM_133378.4); c.66611G>A, p.Arg22204Gln (NM_133432.3); c.66812G>A, p.Arg22271Gln (NM_133437.4); short protein forms R22079Q, R22204Q, R22271Q, R28576Q, R29503Q, R31144Q.
Identifiers: ClinVar variation 2627313 (VCV002627313.2), dbSNP rs561941986, ClinGen allele CA1987302.

ClinVar aggregate classification (germline): Uncertain significance. Review status: criteria provided, multiple submitters, no conflicts (2 of 4 stars). 2 submissions from 2 submitters: Uncertain significance (2). Last evaluated 2025-01-24.

Allele frequency attached by ClinVar (database versions not stated): gnomAD 0.00001; gnomAD exomes 0.00001; TOPMed 0.00001; ExAC 0.00002.
gnomAD v4.1: 16 of 1,613,654 alleles (0.00099%); highest among the groups gnomAD compares: African/African-American, 0.0027%; no homozygotes.

Submissions (2):

GeneDx
Classification: Uncertain significance. Last evaluated: 2025-01-24. Review status: criteria provided, single submitter. Criteria: GeneDx Variant Classification Process June 2021. Collection method: clinical testing. Allele origin: germline. Affected: yes.
Comment: Not observed at significant frequency in large population cohorts (gnomAD); Missense variant in a gene in which most reported pathogenic variants are truncating/loss of function; Has not been previously published as pathogenic or benign to our knowledge

Women's Health and Genetics/Laboratory Corporation of America, LabCorp
Classification: Uncertain significance. Last evaluated: 2023-09-25. Review status: criteria provided, single submitter. Criteria: LabCorp Variant Classification Summary - May 2015. Collection method: clinical testing. Allele origin: germline.